The following is an entry in ClinVar:

ClinVar aggregate classification (germline): Benign. Review status: criteria provided, multiple submitters, no conflicts (2 of 4 stars). 2 submissions from 2 submitters: Benign (2). Last evaluated 2018-01-12.

Conditions:
Kindler syndrome (KNDLRS). Also called: Poikiloderma of Kindler; Congenital bullous poikiloderma; POIKILODERMA, CONGENITAL, WITH BULLAE, WEARY TYPE; POIKILODERMA, HEREDITARY ACROKERATOTIC; BULLOUS ACROKERATOTIC POIKILODERMA OF KINDLER AND WEARY; Kindler's syndrome. Identifiers: Orphanet 2908, Orphanet 306539, MedGen C0406557, MONDO:0008260, OMIM 173650.

Allele frequency attached by ClinVar (database versions not stated): 1000 Genomes Project 30x 0.42676; TOPMed 0.40316; 1000 Genomes Project 0.42692; gnomAD exomes 0.31778.

Submissions (2):

Illumina Laboratory Services, Illumina
Classification: Benign for Kindler syndrome. Last evaluated: 2018-01-12. Review status: criteria provided, single submitter. Criteria: ICSL Variant Classification Criteria 13 December 2019. Collection method: clinical testing. Allele origin: germline.
Comment: This variant was observed in the ICSL laboratory as part of a predisposition screen in an ostensibly healthy population. It had not been previously curated by ICSL or reported in the Human Gene Mutation Database (HGMD: prior to June 1st, 2018), and was therefore a candidate for classification through an automated scoring system. Utilizing variant allele frequency, disease prevalence and penetrance estimates, and inheritance mode, an automated score was calculated to assess if this variant is too frequent to cause the disease. Based on the score and internal cut-off values, a variant classified as benign is not then subjected to further curation. The score for this variant resulted in a classification of benign for this disease.

Breakthrough Genomics
Classification: Benign. Review status: criteria provided, single submitter. Criteria: ACMG Guidelines, 2015. Collection method: not provided. Allele origin: germline. Inheritance: Autosomal recessive inheritance. Affected: yes.

NM_017671.4(FERMT1):c.-646G>C

Gene: FERMT1 (FERM domain containing kindlin 1; minus strand). Cytogenetic location: 20p12.3.
Variant type: single nucleotide variant.
Coding change: c.-646G>C on transcript NM_017671.4; 646 bases upstream of the start codon, G replaced by C.
Genome position (GRCh38, 1-based): chr20:6,123,401, C>G on the plus strand (G>C on the coding strand, the complement: FERMT1 is on the minus strand). VCF-style: chr20-6123401-C-G. GRCh37 (hg19) VCF-style: chr20-6104048-C-G.
Identifiers: ClinVar variation 339257 (VCV000339257.8), dbSNP rs2295432, ClinGen allele CA10652763.